The following is an entry in ClinVar:

NM_001379200.1(TBX1):c.895C>T (p.Pro299Ser)

Gene: TBX1 (T-box transcription factor 1; plus strand). Cytogenetic location: 22q11.21.
Variant type: single nucleotide variant.
Coding change: c.895C>T on transcript NM_001379200.1 (MANE Select); coding-DNA position 895, C replaced by T.
Protein change: p.Pro299Ser; replaces proline 299 with serine.
Molecular consequence: missense variant.
Genome position (GRCh38, 1-based): chr22:19,765,785, C>T. VCF-style: chr22-19765785-C-T. GRCh37 (hg19) VCF-style: chr22-19753308-C-T.
Other names: c.868C>T, p.Pro290Ser (NM_005992.1, NM_080646.2, NM_080647.1); short protein forms P299S, P290S.
Identifiers: ClinVar variation 4739957 (VCV004739957.1).

ClinVar aggregate classification (germline): Uncertain significance (1 of 4 stars; one submission).

Conditions:
DiGeorge syndrome. Also called: Catch22; THIRD AND FOURTH PHARYNGEAL POUCH SYNDROME. Identifiers: Orphanet 567, MedGen C0012236, MONDO:0008564, OMIM 188400.

Submission:

Labcorp Genetics (formerly Invitae), Labcorp
Classification: Uncertain significance for DiGeorge syndrome. Last evaluated: 2025-05-03. Review status: criteria provided, single submitter. Criteria: Invitae Variant Classification Sherloc (09022015). Collection method: clinical testing. Allele origin: germline.
Comment: This sequence change replaces proline, which is neutral and non-polar, with serine, which is neutral and polar, at codon 290 of the TBX1 protein (p.Pro290Ser). This variant is not present in population databases (gnomAD no frequency). This missense change has been observed in individual(s) with tetralogy of Fallot (PMID: 19948535). Invitae Evidence Modeling of protein sequence and biophysical properties (such as structural, functional, and spatial information, amino acid conservation, physicochemical variation, residue mobility, and thermodynamic stability) indicates that this missense variant is expected to disrupt TBX1 protein function with a positive predictive value of 80%. Experimental studies have shown that this missense change does not substantially affect TBX1 function (PMID: 19948535). In summary, the available evidence is currently insufficient to determine the role of this variant in disease. Therefore, it has been classified as a Variant of Uncertain Significance.

Literature cited by the submitters: PubMed 19948535.